The following is an entry in ClinVar:

NM_004415.4(DSP):c.1236G>A (p.Gln412=)

Gene: DSP (desmoplakin; plus strand). Cytogenetic location: 6p24.3.
Variant type: single nucleotide variant.
Coding change: c.1236G>A on transcript NM_004415.4 (MANE Select); coding-DNA position 1236, G replaced by A.
Protein change: p.Gln412=; no amino-acid change (glutamine 412 retained).
Molecular consequence: synonymous variant.
Genome position (GRCh38, 1-based): chr6:7,567,876, G>A. VCF-style: chr6-7567876-G-A. GRCh37 (hg19) VCF-style: chr6-7568109-G-A.
Other names: c.1236G>A, p.Gln412= (NM_001008844.3, NM_001319034.2, NM_001406591.1).
Identifiers: ClinVar variation 3072248 (VCV003072248.1), dbSNP rs2533881975, ClinGen allele CA448521085.

ClinVar aggregate classification (germline): Uncertain significance (1 of 4 stars; one submission).

Conditions:
Arrhythmogenic cardiomyopathy with wooly hair and keratoderma. Also called: PALMOPLANTAR KERATODERMA WITH LEFT VENTRICULAR CARDIOMYOPATHY AND WOOLLY HAIR; Carvajal syndrome; Dilated cardiomyopathy with woolly hair and keratoderma; Arrhythmogenic cardiomyopathy with woolly hair and keratoderma. Identifiers: Orphanet 65282, MedGen C1854063, MONDO:0011581, OMIM 605676.

Submission:

All of Us Research Program, National Institutes of Health
Classification: Uncertain significance for Arrhythmogenic cardiomyopathy with wooly hair and keratoderma. Last evaluated: 2023-06-26. Review status: criteria provided, single submitter. Criteria: ACMG Guidelines, 2015. Collection method: clinical testing. Allele origin: germline. Inheritance: Autosomal dominant inheritance. Observed: 1 variant allele, 1 heterozygote.
Comment: This variant is located in the DSP protein. To our knowledge, functional studies have not been reported for this variant. This variant has not been reported in individuals affected with DSP-related disorders in the literature. This variant has not been identified in the general population by the Genome Aggregation Database (gnomAD). The available evidence is insufficient to determine the role of this variant in disease conclusively. Therefore, this variant is classified as a Variant of Uncertain Significance.

This study involves interpretation of variants in research participants for the purpose of population health screening. Participant phenotype was not available at the time of variant classification. Additional details can be found in publication PMID: 35346344, PMCID: PMC8962531